The following is an entry in ClinVar:

ClinVar aggregate classification (germline): Uncertain significance (1 of 4 stars; one submission).

Conditions:
Severe combined immunodeficiency due to DNA-PKcs deficiency. Also called: Immunodeficiency 26 with or without neurologic abnormalities; IMMUNODEFICIENCY 26 WITH NEUROLOGIC ABNORMALITIES. Identifiers: Orphanet 317425, MedGen C4014833, MONDO:0014423, OMIM 615966.

Allele frequency attached by ClinVar (database versions not stated): ExAC 0.00002; gnomAD 0.00004.
gnomAD v4.1: 28 of 1,613,950 alleles (0.0017%); highest among the groups gnomAD compares: Admixed American, 0.0067%; no homozygotes.

Submission:

Labcorp Genetics (formerly Invitae), Labcorp
Classification: Uncertain significance for Severe combined immunodeficiency due to DNA-PKcs deficiency. Last evaluated: 2025-04-02. Review status: criteria provided, single submitter. Criteria: Invitae Variant Classification Sherloc (09022015). Collection method: clinical testing. Allele origin: germline.
Comment: This sequence change replaces valine, which is neutral and non-polar, with isoleucine, which is neutral and non-polar, at codon 2770 of the PRKDC protein (p.Val2770Ile). This variant is present in population databases (rs764298664, gnomAD 0.007%). This variant has not been reported in the literature in individuals affected with PRKDC-related conditions. ClinVar contains an entry for this variant (Variation ID: 1508889). Invitae Evidence Modeling of protein sequence and biophysical properties (such as structural, functional, and spatial information, amino acid conservation, physicochemical variation, residue mobility, and thermodynamic stability) indicates that this missense variant is not expected to disrupt PRKDC protein function with a negative predictive value of 80%. In summary, the available evidence is currently insufficient to determine the role of this variant in disease. Therefore, it has been classified as a Variant of Uncertain Significance.

NM_006904.7(PRKDC):c.8308G>A (p.Val2770Ile)

Gene: PRKDC (protein kinase, DNA-activated, catalytic subunit; minus strand). Cytogenetic location: 8q11.21.
Variant type: single nucleotide variant.
Coding change: c.8308G>A on transcript NM_006904.7 (MANE Select); coding-DNA position 8308, G replaced by A.
Protein change: p.Val2770Ile; replaces valine 2770 with isoleucine.
Molecular consequence: missense variant.
Genome position (GRCh38, 1-based): chr8:47,830,694, C>T on the plus strand (G>A on the coding strand, the complement: PRKDC is on the minus strand). VCF-style: chr8-47830694-C-T. GRCh37 (hg19) VCF-style: chr8-48743255-C-T.
Other names: c.8308G>A, p.Val2770Ile (NM_001081640.2); short protein forms V2770I.
Identifiers: ClinVar variation 1508889 (VCV001508889.6), dbSNP rs764298664, ClinGen allele CA4739857.